The following is an entry in ClinVar:

NM_003859.3(DPM1):c.572G>A (p.Arg191Gln)

Genes: DPM1 (dolichyl-phosphate mannosyltransferase subunit 1, catalytic; minus strand), ADNP-AS1 (ADNP antisense RNA 1; plus strand). Cytogenetic location: 20q13.13.
Variant type: single nucleotide variant.
Coding change: c.572G>A on transcript NM_003859.3 (MANE Select); coding-DNA position 572, G replaced by A.
Protein change: p.Arg191Gln; replaces arginine 191 with glutamine.
Molecular consequence: missense variant. On other transcripts: non-coding transcript variant (1).
Genome position (GRCh38, 1-based): chr20:50,936,254, C>T on the plus strand (G>A on the coding strand, the complement: DPM1 is on the minus strand). VCF-style: chr20-50936254-C-T. GRCh37 (hg19) VCF-style: chr20-49552791-C-T.
Other names: c.572G>A (NM_003859.1); c.677G>A, p.Arg226Gln (NM_001317034.1); c.653G>A, p.Arg218Gln (NM_001317035.1); c.503G>A, p.Arg168Gln (NM_001317036.1); short protein forms R168Q, R191Q, R218Q, R226Q.
Identifiers: ClinVar variation 2422049 (VCV002422049.6), dbSNP rs546651949, ClinGen allele CA9909038.

ClinVar aggregate classification (germline): Uncertain significance. Review status: criteria provided, multiple submitters, no conflicts (2 of 4 stars). 2 submissions from 2 submitters: Uncertain significance (2). Last evaluated 2025-05-18.

Conditions:
Inborn genetic diseases. Identifiers: MedGen C0950123, MeSH D030342.
Congenital disorder of glycosylation type 1E (CDG1E). Also called: CDG Ie; CONGENITAL DISORDER OF GLYCOSYLATION, TYPE Ie. Identifiers: Orphanet 79322, MedGen C1837396, MONDO:0012123, OMIM 608799.

Allele frequency attached by ClinVar (database versions not stated): ExAC 0.00001; gnomAD exomes 0.00001; TOPMed 0.00001; gnomAD 0.00002; 1000 Genomes Project 30x 0.00016; 1000 Genomes Project 0.00020.
gnomAD v4.1: 17 of 1,592,098 alleles (0.0011%); highest among the groups gnomAD compares: African/African-American, 0.004%; no homozygotes.

Submissions (2):

Ambry Genetics
Classification: Uncertain significance for Inborn genetic diseases. Last evaluated: 2025-05-18. Review status: criteria provided, single submitter. Criteria: Ambry Variant Classification Scheme 2023. Collection method: clinical testing. Allele origin: germline.

Labcorp Genetics (formerly Invitae), Labcorp
Classification: Uncertain significance for Congenital disorder of glycosylation type 1E. Last evaluated: 2022-07-20. Review status: criteria provided, single submitter. Criteria: Invitae Variant Classification Sherloc (09022015). Collection method: clinical testing. Allele origin: germline.
Comment: In summary, the available evidence is currently insufficient to determine the role of this variant in disease. Therefore, it has been classified as a Variant of Uncertain Significance. Algorithms developed to predict the effect of missense changes on protein structure and function (SIFT, PolyPhen-2, Align-GVGD) all suggest that this variant is likely to be tolerated. This variant has not been reported in the literature in individuals affected with DPM1-related conditions. This variant is present in population databases (rs546651949, gnomAD 0.007%). This sequence change replaces arginine, which is basic and polar, with glutamine, which is neutral and polar, at codon 191 of the DPM1 protein (p.Arg191Gln).